The following is an entry in ClinVar:

NM_182914.3(SYNE2):c.18314C>T (p.Ser6105Leu)

Gene: SYNE2 (spectrin repeat containing nuclear envelope protein 2; plus strand). Cytogenetic location: 14q23.2.
Variant type: single nucleotide variant.
Coding change: c.18314C>T on transcript NM_182914.3 (MANE Select); coding-DNA position 18314, C replaced by T.
Protein change: p.Ser6105Leu; replaces serine 6105 with leucine.
Molecular consequence: missense variant.
Genome position (GRCh38, 1-based): chr14:64,208,870, C>T. VCF-style: chr14-64208870-C-T. GRCh37 (hg19) VCF-style: chr14-64675588-C-T.
Other names: c.18314C>T, p.Ser6105Leu (NM_015180.6); short protein forms S6105L.
Identifiers: ClinVar variation 2487134 (VCV002487134.4), dbSNP rs768807868, ClinGen allele CA7224034.
Genomic context (GRCh38, chr14:64,208,870, plus strand): 5'-ACATCTGTGACGTCCTACTGCACGACTCCGATGCCTGTGCAAATGAGACCGAGTGTGACT[C>T]GATCCAGCAGACCACCAGGAGCCTGGACAGACGCTGGAGGAACATTTGTGCCATGTCCAT-3'
Protein context (NP_878918.2, residues 6095-6115): DACANETECD[Ser6105Leu]IQQTTRSLDR

ClinVar aggregate classification (germline): Uncertain significance. Review status: criteria provided, multiple submitters, no conflicts (2 of 4 stars). 2 submissions from 2 submitters: Uncertain significance (2). Last evaluated 2024-10-30.

Conditions:
Emery-Dreifuss muscular dystrophy 5, autosomal dominant (EDMD5). Also called: EMERY-DREIFUSS MUSCULAR DYSTROPHY 5. Identifiers: Orphanet 261, MedGen C2751805, MONDO:0013072, OMIM 612999.

Allele frequency attached by ClinVar (database versions not stated): gnomAD 0.00001; gnomAD exomes 0.00001; ExAC 0.00002; TOPMed 0.00002.
gnomAD v4.1: 22 of 1,614,060 alleles (0.0014%); highest among the groups gnomAD compares: Admixed American, 0.0033%; no homozygotes.

Submissions (2):

Labcorp Genetics (formerly Invitae), Labcorp
Classification: Uncertain significance for Emery-Dreifuss muscular dystrophy 5, autosomal dominant. Last evaluated: 2024-10-30. Review status: criteria provided, single submitter. Criteria: Invitae Variant Classification Sherloc (09022015). Collection method: clinical testing. Allele origin: germline.
Comment: This sequence change replaces serine, which is neutral and polar, with leucine, which is neutral and non-polar, at codon 6105 of the SYNE2 protein (p.Ser6105Leu). This variant is present in population databases (rs768807868, gnomAD 0.003%). This variant has not been reported in the literature in individuals affected with SYNE2-related conditions. ClinVar contains an entry for this variant (Variation ID: 2487134). An algorithm developed to predict the effect of missense changes on protein structure and function (PolyPhen-2) suggests that this variant is likely to be disruptive. In summary, the available evidence is currently insufficient to determine the role of this variant in disease. Therefore, it has been classified as a Variant of Uncertain Significance.

Ambry Genetics
Classification: Uncertain significance. Last evaluated: 2023-02-22. Review status: criteria provided, single submitter. Criteria: Ambry Variant Classification Scheme 2023. Collection method: clinical testing. Allele origin: germline.